The following is an entry in ClinVar:

ClinVar aggregate classification (germline): Conflicting classifications of pathogenicity. Review status: criteria provided, conflicting classifications (1 of 4 stars). 2 submissions from 2 submitters: Uncertain significance (1); Likely benign (1). Last evaluated 2025-10-11.

Conditions:
Hereditary cancer-predisposing syndrome. Also called: Neoplastic Syndromes, Hereditary; Hereditary neoplastic syndrome; Hereditary Cancer Syndrome; Tumor predisposition. Identifiers: Orphanet 140162, MedGen C0027672, MeSH D009386, MONDO:0015356.
Gastrointestinal stromal tumor. Also called: Gastrointestinal stromal tumor, somatic; Gastrointestinal stroma tumor. Identifiers: Orphanet 44890, MedGen C0238198, MeSH D046152, MONDO:0011719, OMIM 606764, HP:0100723.

Allele frequency attached by ClinVar (database versions not stated): ExAC 0.00001.
gnomAD v4.1: 3 of 1,614,140 alleles (0.00019%); highest among the groups gnomAD compares: South Asian, 0.0033%; no homozygotes.

Submissions (2):

Labcorp Genetics (formerly Invitae), Labcorp
Classification: Uncertain significance for Gastrointestinal stromal tumor. Last evaluated: 2025-10-11. Review status: criteria provided, single submitter. Criteria: Invitae Variant Classification Sherloc (09022015). Collection method: clinical testing. Allele origin: germline.
Comment: This sequence change replaces glycine, which is neutral and non-polar, with glutamic acid, which is acidic and polar, at codon 470 of the KIT protein (p.Gly470Glu). This variant is present in population databases (rs755572814, gnomAD 0.006%). This variant has not been reported in the literature in individuals affected with KIT-related conditions. ClinVar contains an entry for this variant (Variation ID: 1895733). An algorithm developed to predict the effect of missense changes on protein structure and function (PolyPhen-2) suggests that this variant is likely to be disruptive. In summary, the available evidence is currently insufficient to determine the role of this variant in disease. Therefore, it has been classified as a Variant of Uncertain Significance.

Ambry Genetics
Classification: Likely benign for Hereditary cancer-predisposing syndrome. Last evaluated: 2025-06-27. Review status: criteria provided, single submitter. Criteria: Ambry Variant Classification Scheme 2023. Collection method: clinical testing. Allele origin: germline.

NM_000222.3(KIT):c.1409G>A (p.Gly470Glu)

Gene: KIT (KIT proto-oncogene, receptor tyrosine kinase; plus strand). Cytogenetic location: 4q12.
Variant type: single nucleotide variant.
Coding change: c.1409G>A on transcript NM_000222.3 (MANE Select); coding-DNA position 1409, G replaced by A.
Protein change: p.Gly470Glu; replaces glycine 470 with glutamic acid.
Molecular consequence: missense variant.
Genome position (GRCh38, 1-based): chr4:54,725,919, G>A. VCF-style: chr4-54725919-G-A. GRCh37 (hg19) VCF-style: chr4-55592085-G-A.
Other names: c.1409G>A, p.Gly470Glu (NM_001093772.2, NM_001385285.1, NM_001385286.1); c.1412G>A, p.Gly471Glu (NM_001385284.1, NM_001385288.1, NM_001385290.1 and 1 more transcripts); short protein forms G471E, G470E.
Identifiers: ClinVar variation 1895733 (VCV001895733.6), dbSNP rs755572814, ClinGen allele CA2923486.
Genomic context (GRCh38, chr4:54,725,919, plus strand): 5'-GCTCTGCTTCTGTACTGCCAGTGGATGTGCAGACACTAAACTCATCTGGGCCACCGTTTG[G>A]AAAGCTAGTGGTTCAGAGTTCTATAGATTCTAGTGCATTCAAGCACAATGGCACGGTTGA-3'
Protein context (NP_000213.1, residues 460-480): QTLNSSGPPF[Gly470Glu]KLVVQSSIDS